The following is an entry in ClinVar:

NM_021975.4(RELA):c.187-9T>G

Gene: RELA (RELA proto-oncogene, NF-kB subunit; minus strand). Cytogenetic location: 11q13.1.
Variant type: single nucleotide variant.
Coding change: c.187-9T>G on transcript NM_021975.4 (MANE Select); 9 bases into the intron before coding-DNA position 187, T replaced by G.
Molecular consequence: intron variant. On other transcripts: missense variant (1).
Genome position (GRCh38, 1-based): chr11:65,661,844, A>C on the plus strand (T>G on the coding strand, the complement: RELA is on the minus strand). VCF-style: chr11-65661844-A-C. GRCh37 (hg19) VCF-style: chr11-65429315-A-C.
Other names: c.211T>G, p.Phe71Val (NM_001404657.1); c.187-9T>G (NM_001145138.2, NM_001243984.2, NM_001243985.2); short protein forms F71V.
Identifiers: ClinVar variation 1947986 (VCV001947986.5), dbSNP rs1343102225, ClinGen allele CA381394664.
Genomic context (GRCh38, chr11:65,661,844, plus strand): 5'-CCTTGGTGACCAGGGAGATGCGCACTGTCCCTGGTCCTGTGTAGCCATTGATCTGTCCAA[A>C]GTACAGAGGCCCAGACATCCAAACCTGACTCCCAAACACAGAGGGCTGGGGTTCCACAGT-3'

ClinVar aggregate classification (germline): Uncertain significance (1 of 4 stars; one submission).

Allele frequency attached by ClinVar (database versions not stated): gnomAD 0.00001; TOPMed 0.00001.

Submission:

Labcorp Genetics (formerly Invitae), Labcorp
Classification: Uncertain significance. Last evaluated: 2025-05-25. Review status: criteria provided, single submitter. Criteria: Invitae Variant Classification Sherloc (09022015). Collection method: clinical testing. Allele origin: germline.
Comment: This sequence change falls in intron 3 of the RELA gene. It does not directly change the encoded amino acid sequence of the RELA protein. This variant is present in population databases (no rsID available, gnomAD 0.003%). This variant has not been reported in the literature in individuals affected with RELA-related conditions. ClinVar contains an entry for this variant (Variation ID: 1947986). Algorithms developed to predict the effect of sequence changes on RNA splicing suggest that this variant may disrupt the consensus splice site. In summary, the available evidence is currently insufficient to determine the role of this variant in disease. Therefore, it has been classified as a Variant of Uncertain Significance.